The following is an entry in ClinVar:

NC_000010.10:g.90533969_90911342del

Genes: ACTA2 (actin alpha 2, smooth muscle; minus strand), ANKRD22 (ankyrin repeat domain 22; minus strand), FAS (Fas cell surface death receptor; plus strand), FAS-AS1 (FAS antisense RNA 1; minus strand), LIPM (lipase family member M; plus strand) and 2 more. Cytogenetic location: 10q23.31.
Variant type: Deletion.
Identifiers: ClinVar variation 3572951 (VCV003572951.1).

ClinVar aggregate classification (germline): Pathogenic (1 of 4 stars; one submission).

Conditions:
Autoimmune lymphoproliferative syndrome (ALPS). Identifiers: Orphanet 3261, MedGen C1328840, MONDO:0017979.

Submission:

Regional Center For Medical Genetics Timis, Louis Turcanu Emergency Hospital for Children Timisoara
Classification: Pathogenic for Autoimmune lymphoproliferative syndrome. Last evaluated: 2025-01-12. Review status: criteria provided, single submitter. Criteria: ACMG Guidelines, 2015. Collection method: clinical testing. Allele origin: germline. Affected: yes. Observed: 1 variant allele.
Comment: This variant represents a contiguous deletion that includes FAS and ACTA2 gene. These two genes are known to be haploinsufficient. Therefore, this deletion was classified as pathogenic.